The following is an entry in ClinVar:

ClinVar aggregate classification (germline): Likely benign. Review status: criteria provided, single submitter (1 of 4 stars). 2 submissions from 2 submitters: Likely benign (1). 1 of the submissions does not count toward it. Last evaluated 2025-01-01.

Conditions:
HNRNPA1-related disorder. Also called: HNRNPA1-related condition.

Allele frequency attached by ClinVar (database versions not stated): ExAC 0.00002; 1000 Genomes Project 30x 0.00016; 1000 Genomes Project 0.00020.
gnomAD v4.1: 34 of 1,613,050 alleles (0.0021%); highest among the groups gnomAD compares: African/African-American, 0.033%; no homozygotes.

Submissions (2):

CeGaT Center for Human Genetics Tuebingen
Classification: Likely benign. Last evaluated: 2025-01-01. Review status: criteria provided, single submitter. Criteria: CeGaT Center For Human Genetics Tuebingen Variant Classification Criteria Version 2. Collection method: clinical testing. Allele origin: germline. Affected: yes. Observed: 1 variant allele.
Comment: HNRNPA1: BP4, BP7

PreventionGenetics, part of Exact Sciences
Classification: Likely benign for HNRNPA1-related condition. Last evaluated: 2022-12-16. Review status: no assertion criteria provided. Collection method: clinical testing. Allele origin: germline. Not counted in ClinVar's aggregate classification.
Comment: This variant is classified as likely benign based on ACMG/AMP sequence variant interpretation guidelines (Richards et al. 2015 PMID: 25741868, with internal and published modifications).

NM_031157.4(HNRNPA1):c.447C>T (p.Ala149=)

Gene: HNRNPA1 (heterogeneous nuclear ribonucleoprotein A1; plus strand). Cytogenetic location: 12q13.13.
Variant type: single nucleotide variant.
Coding change: c.447C>T on transcript NM_031157.4 (MANE Select); coding-DNA position 447, C replaced by T.
Protein change: p.Ala149=; no amino-acid change (alanine 149 retained).
Molecular consequence: synonymous variant. On other transcripts: non-coding transcript variant (1).
Genome position (GRCh38, 1-based): chr12:54,282,257, C>T. VCF-style: chr12-54282257-C-T. GRCh37 (hg19) VCF-style: chr12-54676041-C-T.
Other names: c.447C>T, p.Ala149= (NM_002136.4).
Identifiers: ClinVar variation 3032895 (VCV003032895.15), dbSNP rs199853948, ClinGen allele CA6606207.